The following is an entry in ClinVar:

NM_018646.6(TRPV6):c.1793C>A (p.Thr598Asn)

Gene: TRPV6 (transient receptor potential cation channel subfamily V member 6; minus strand). Cytogenetic location: 7q34.
Variant type: single nucleotide variant.
Coding change: c.1793C>A on transcript NM_018646.6 (MANE Select); coding-DNA position 1793, C replaced by A.
Protein change: p.Thr598Asn; replaces threonine 598 with asparagine.
Molecular consequence: missense variant.
Genome position (GRCh38, 1-based): chr7:142,873,563, G>T on the plus strand (C>A on the coding strand, the complement: TRPV6 is on the minus strand). VCF-style: chr7-142873563-G-T. GRCh37 (hg19) VCF-style: chr7-142571316-G-T.
Other names: short protein forms T598N.
Identifiers: ClinVar variation 5037598 (VCV005037598.1).

ClinVar aggregate classification (germline): Uncertain significance (1 of 4 stars; one submission).

Submission:

GeneDx
Classification: Uncertain significance. Last evaluated: 2026-04-26. Review status: criteria provided, single submitter. Criteria: GeneDx Variant Classification Process June 2021. Collection method: clinical testing. Allele origin: germline.
Comment: Not observed at significant frequency in large population cohorts (gnomAD); In silico analysis suggests that this missense variant does not alter protein structure/function; Has not been previously published as pathogenic or benign to our knowledge